The following is an entry in ClinVar:

ClinVar aggregate classification (germline): Uncertain significance (1 of 4 stars; one submission).

Submission:

Labcorp Genetics (formerly Invitae), Labcorp
Classification: Uncertain significance. Last evaluated: 2022-04-16. Review status: criteria provided, single submitter. Criteria: Invitae Variant Classification Sherloc (09022015). Collection method: clinical testing. Allele origin: germline.
Comment: This sequence change replaces arginine, which is basic and polar, with tryptophan, which is neutral and slightly polar, at codon 519 of the TULP1 protein (p.Arg519Trp). This variant is not present in population databases (gnomAD no frequency). This variant has not been reported in the literature in individuals affected with TULP1-related conditions. Algorithms developed to predict the effect of missense changes on protein structure and function are either unavailable or do not agree on the potential impact of this missense change (SIFT: "Not Available"; PolyPhen-2: "Probably Damaging"; Align-GVGD: "Not Available"). In summary, the available evidence is currently insufficient to determine the role of this variant in disease. Therefore, it has been classified as a Variant of Uncertain Significance.

NM_003322.6(TULP1):c.1555C>T (p.Arg519Trp)

Gene: TULP1 (TUB like protein 1; minus strand). Cytogenetic location: 6p21.31.
Variant type: single nucleotide variant.
Coding change: c.1555C>T on transcript NM_003322.6 (MANE Select); coding-DNA position 1555, C replaced by T.
Protein change: p.Arg519Trp; replaces arginine 519 with tryptophan.
Molecular consequence: missense variant.
Genome position (GRCh38, 1-based): chr6:35,498,401, G>A on the plus strand (C>T on the coding strand, the complement: TULP1 is on the minus strand). VCF-style: chr6-35498401-G-A. GRCh37 (hg19) VCF-style: chr6-35466178-G-A.
Other names: c.1396C>T, p.Arg466Trp (NM_001289395.2); short protein forms R519W, R466W.
Identifiers: ClinVar variation 2126758 (VCV002126758.4), dbSNP rs868633323, ClinGen allele CA137276925.